The following is an entry in ClinVar:

NM_052844.4(DYNC2I2):c.33_36del (p.Ser11fs)

Gene: DYNC2I2 (dynein 2 intermediate chain 2; minus strand). Cytogenetic location: 9q34.11.
Variant type: Deletion.
Coding change: c.33_36del on transcript NM_052844.4 (MANE Select); coding-DNA positions 33 to 36, 4 bases deleted (CCAG; older notation c.33_36delCCAG).
Protein change: p.Ser11fs; shifts the reading frame from serine 11.
Molecular consequence: frameshift variant.
Genome position (GRCh38, 1-based): chr9:128,656,691-128,656,694, CTGG deleted on the plus strand (CCAG on the coding strand, the reverse complement: DYNC2I2 is on the minus strand); deleting any 4 consecutive bases within chr9:128,656,691-128,656,697 gives the same sequence; the c. name uses the placement nearest the transcript's 3' end. VCF-style (leftmost placement, unchanged base first): chr9-128656690-CCTGG-C. GRCh37 (hg19) VCF-style: chr9-131418969-CCTGG-C.
Other names: short protein forms S11fs.
Identifiers: ClinVar variation 3661883 (VCV003661883.2).

ClinVar aggregate classification (germline): Pathogenic (1 of 4 stars; one submission).

Conditions:
Short-rib thoracic dysplasia 11 with or without polydactyly (SRTD11). Also called: SHORT-RIB THORACIC DYSPLASIA 11 WITHOUT POLYDACTYLY. Identifiers: Orphanet 474, Orphanet 93271, MedGen C3810200, MONDO:0014287, OMIM 615633.

Submission:

Labcorp Genetics (formerly Invitae), Labcorp
Classification: Pathogenic for Short-rib thoracic dysplasia 11 with or without polydactyly. Last evaluated: 2024-11-05. Review status: criteria provided, single submitter. Criteria: Invitae Variant Classification Sherloc (09022015). Collection method: clinical testing. Allele origin: germline.
Comment: This sequence change creates a premature translational stop signal (p.Ser11Argfs*112) in the WDR34 gene. It is expected to result in an absent or disrupted protein product. Loss-of-function variants in WDR34 are known to be pathogenic (PMID: 24183449, 24183451, 28379358). This variant is not present in population databases (gnomAD no frequency). This variant has not been reported in the literature in individuals affected with WDR34-related conditions. For these reasons, this variant has been classified as Pathogenic.

Literature cited by the submitters: PubMed 24183449; PubMed 24183451; PubMed 28379358.